The following is an entry in ClinVar:

ClinVar aggregate classification (germline): Pathogenic. Review status: reviewed by expert panel (3 of 4 stars). 3 submissions from 3 submitters: Pathogenic (1). 2 of the submissions do not count toward it. Last evaluated 2016-10-18.

Conditions:
Hereditary breast ovarian cancer syndrome. Also called: Hereditary breast and ovarian cancer; Hereditary breast and ovarian cancer syndrome (HBOC); Hereditary breast and/or ovarian cancer syndrome; Breast and ovarian cancer; Hereditary breast and ovarian cancer syndrome; BRCA1- and BRCA2-Associated Hereditary Breast and Ovarian Cancer. Identifiers: Orphanet 145, MedGen C0677776, MeSH D061325, MONDO:0003582. Disease mechanism: loss of function.
Breast-ovarian cancer, familial, susceptibility to, 2 (BROVCA2). Also called: BRCA2 Hereditary Breast and Ovarian Cancer. Identifiers: Orphanet 145, MedGen C2675520, MONDO:0012933, OMIM 612555. Disease mechanism: loss of function.

Submissions (3):

Evidence-based Network for the Interpretation of Germline Mutant Alleles (ENIGMA)
Classification: Pathogenic for Breast-ovarian cancer, familial, susceptibility to, 2. Last evaluated: 2016-10-18. Review status: reviewed by expert panel. Criteria: ENIGMA BRCA1/2 Classification Criteria (2015). Collection method: curation. Allele origin: germline.
Comment: Variant allele predicted to encode a truncated non-functional protein.

Labcorp Genetics (formerly Invitae), Labcorp
Classification: Pathogenic for Hereditary breast ovarian cancer syndrome. Last evaluated: 2023-04-14. Review status: criteria provided, single submitter. Criteria: Invitae Variant Classification Sherloc (09022015). Collection method: clinical testing. Allele origin: germline. Not counted in ClinVar's aggregate classification.
Comment: For these reasons, this variant has been classified as Pathogenic. ClinVar contains an entry for this variant (Variation ID: 266725). This variant has not been reported in the literature in individuals affected with BRCA2-related conditions. This variant is not present in population databases (gnomAD no frequency). This sequence change creates a premature translational stop signal (p.Lys960Asnfs*4) in the BRCA2 gene. It is expected to result in an absent or disrupted protein product. Loss-of-function variants in BRCA2 are known to be pathogenic (PMID: 20104584).

Consortium of Investigators of Modifiers of BRCA1/2 (CIMBA), c/o University of Cambridge
Classification: Pathogenic for Breast-ovarian cancer, familial, susceptibility to, 2. Last evaluated: 2015-10-02. Review status: criteria provided, single submitter. Criteria: CIMBA Mutation Classification guidelines May 2016. Collection method: clinical testing. Allele origin: germline. Not counted in ClinVar's aggregate classification.

Literature cited by the submitters: PubMed 20104584 (cited by Labcorp Genetics (formerly Invitae), Labcorp).

NM_000059.4(BRCA2):c.2880del (p.Lys960fs)

Gene: BRCA2 (BRCA2 DNA repair associated; plus strand). Cytogenetic location: 13q13.1.
Variant type: Deletion.
Coding change: c.2880del on transcript NM_000059.4 (MANE Select); coding-DNA position 2880, one base deleted (G; older notation c.2880delG).
Protein change: p.Lys960fs; shifts the reading frame from lysine 960.
Molecular consequence: frameshift variant.
Genome position (GRCh38, 1-based): chr13:32,337,235, G deleted. VCF-style (leftmost placement, unchanged base first): chr13-32337234-AG-A. GRCh37 (hg19) VCF-style: chr13-32911371-AG-A.
Other names: 3108delG; short protein forms K960fs.
Identifiers: ClinVar variation 266725 (VCV000266725.8), dbSNP rs886040451, ClinGen allele CA10589177.